The following is an entry in ClinVar:

ClinVar aggregate classification (germline): Uncertain significance (0 of 4 stars; one submission).

Conditions:
DYRK1B-related disorder. Also called: DYRK1B-related condition.

Submission:

PreventionGenetics, part of Exact Sciences
Classification: Uncertain significance for DYRK1B-related condition. Last evaluated: 2024-01-02. Review status: no assertion criteria provided. Collection method: clinical testing. Allele origin: germline.
Comment: The DYRK1B c.359G>T variant is predicted to result in the amino acid substitution p.Gly120Val. To our knowledge, this variant has not been reported in the literature or in a large population database, indicating this variant is rare. At this time, the clinical significance of this variant is uncertain due to the absence of conclusive functional and genetic evidence.

NM_004714.3(DYRK1B):c.359G>T (p.Gly120Val)

Gene: DYRK1B (dual specificity tyrosine phosphorylation regulated kinase 1B; minus strand). Cytogenetic location: 19q13.2.
Variant type: single nucleotide variant.
Coding change: c.359G>T on transcript NM_004714.3 (MANE Select); coding-DNA position 359, G replaced by T.
Protein change: p.Gly120Val; replaces glycine 120 with valine.
Molecular consequence: missense variant.
Genome position (GRCh38, 1-based): chr19:39,830,388, C>A on the plus strand (G>T on the coding strand, the complement: DYRK1B is on the minus strand). VCF-style: chr19-39830388-C-A. GRCh37 (hg19) VCF-style: chr19-40321028-C-A.
Other names: c.359G>T, p.Gly120Val (NM_006483.3, NM_006484.3); short protein forms G120V.
Identifiers: ClinVar variation 3348966 (VCV003348966.1).